The following is an entry in ClinVar:

ClinVar aggregate classification (germline): Benign. Review status: criteria provided, multiple submitters, no conflicts (2 of 4 stars). 11 submissions from 11 submitters: Benign (8). 3 of the submissions do not count toward it. Last evaluated 2026-02-04.

Conditions:
Schimke immuno-osseous dysplasia (SIOD). Also called: Schimke Immunoosseous Dysplasia. Identifiers: Orphanet 1830, MedGen C0877024, MONDO:0009458, OMIM 242900.

Allele frequency attached by ClinVar (database versions not stated): TOPMed 0.08356; 1000 Genomes Project 30x 0.08370; 1000 Genomes Project 0.08446; gnomAD 0.09474 and 0.09632; ESP Exome Variant Server 0.09995; gnomAD exomes 0.10905 and 0.12272; ExAC 0.11376.
gnomAD v4.1: 193,204 of 1,612,622 alleles (12%); highest among the groups gnomAD compares: South Asian, 19%; 12,913 homozygotes.

Submissions 1 to 31 of 75:

Labcorp Genetics (formerly Invitae), Labcorp
Classification: Benign for Schimke immuno-osseous dysplasia. Last evaluated: 2026-02-04. Review status: criteria provided, single submitter. Criteria: Invitae Variant Classification Sherloc (09022015). Collection method: clinical testing. Allele origin: germline.

Blueprint Genetics
Classification: Benign. Last evaluated: 2024-11-26. Review status: criteria provided, single submitter. Criteria: ACMG Guidelines, 2015. Collection method: clinical testing. Allele origin: germline.

Mayo Clinic Laboratories, Mayo Clinic
Classification: Benign. Last evaluated: 2022-09-06. Review status: criteria provided, single submitter. Criteria: ACMG Guidelines, 2015. Collection method: clinical testing. Allele origin: germline. Observed: 42 variant alleles.

Genome-Nilou Lab
Classification: Benign for Schimke immuno-osseous dysplasia. Last evaluated: 2021-07-10. Review status: criteria provided, single submitter. Criteria: ACMG Guidelines, 2015. Collection method: clinical testing. Allele origin: germline. Affected: no.

GeneDx
Classification: Benign. Last evaluated: 2019-11-20. Review status: criteria provided, single submitter. Criteria: GeneDx Variant Classification Process June 2021. Collection method: clinical testing. Allele origin: germline. Affected: yes.

Illumina Laboratory Services, Illumina
Classification: Benign for Schimke immuno-osseous dysplasia. Last evaluated: 2018-01-13. Review status: criteria provided, single submitter. Criteria: ICSL Variant Classification Criteria 13 December 2019. Collection method: clinical testing. Allele origin: germline.
Comment: This variant was observed in the ICSL laboratory as part of a predisposition screen in an ostensibly healthy population. It had not been previously curated by ICSL or reported in the Human Gene Mutation Database (HGMD: prior to June 1st, 2018), and was therefore a candidate for classification through an automated scoring system. Utilizing variant allele frequency, disease prevalence and penetrance estimates, and inheritance mode, an automated score was calculated to assess if this variant is too frequent to cause the disease. Based on the score and internal cut-off values, a variant classified as benign is not then subjected to further curation. The score for this variant resulted in a classification of benign for this disease.

Breakthrough Genomics
Classification: Benign. Review status: criteria provided, single submitter. Criteria: ACMG Guidelines, 2015. Collection method: not provided. Allele origin: germline. Inheritance: Autosomal recessive inheritance. Affected: yes.

PreventionGenetics, part of Exact Sciences
Classification: Benign. Review status: criteria provided, single submitter. Criteria: ACMG Guidelines, 2015. Collection method: clinical testing. Allele origin: germline.

Natera, Inc.
Classification: Benign for Schimke immuno-osseous dysplasia. Last evaluated: 2019-11-21. Review status: no assertion criteria provided. Collection method: clinical testing. Allele origin: germline. Not counted in ClinVar's aggregate classification.

Diagnostic Laboratory, Department of Genetics, University Medical Center Groningen
Classification: Benign. Review status: no assertion criteria provided. Collection method: clinical testing. Allele origin: germline. Affected: yes. Study: VKGL Data-share Consensus. Not counted in ClinVar's aggregate classification.

Dr. Peter K. Rogan Lab, Western University
No classification provided (evidence only). Condition: Familial cancer of breast. Review status: no classification provided. Collection method: in vitro. Allele origin: not applicable. Functional consequence: retained intron. Not counted in ClinVar's aggregate classification.

Dr. Peter K. Rogan Lab, Western University
No classification provided (evidence only). Condition: Colorectal cancer. Review status: no classification provided. Collection method: in vitro. Allele origin: not applicable. Functional consequence: retained intron. Not counted in ClinVar's aggregate classification.

Dr. Peter K. Rogan Lab, Western University
No classification provided (evidence only). Condition: Colorectal cancer. Review status: no classification provided. Collection method: in vitro. Allele origin: not applicable. Functional consequence: retained intron. Not counted in ClinVar's aggregate classification.

Dr. Peter K. Rogan Lab, Western University
No classification provided (evidence only). Condition: Colorectal cancer. Review status: no classification provided. Collection method: in vitro. Allele origin: not applicable. Functional consequence: retained intron. Not counted in ClinVar's aggregate classification.

Dr. Peter K. Rogan Lab, Western University
No classification provided (evidence only). Condition: Malignant lymphoma, large B-cell, diffuse. Review status: no classification provided. Collection method: in vitro. Allele origin: not applicable. Functional consequence: retained intron. Not counted in ClinVar's aggregate classification.

Dr. Peter K. Rogan Lab, Western University
No classification provided (evidence only). Condition: Cholangiocarcinoma. Review status: no classification provided. Collection method: in vitro. Allele origin: not applicable. Functional consequence: retained intron. Not counted in ClinVar's aggregate classification.

Dr. Peter K. Rogan Lab, Western University
No classification provided (evidence only). Condition: Cholangiocarcinoma. Review status: no classification provided. Collection method: in vitro. Allele origin: not applicable. Functional consequence: retained intron. Not counted in ClinVar's aggregate classification.

Dr. Peter K. Rogan Lab, Western University
No classification provided (evidence only). Condition: Uterine carcinosarcoma. Review status: no classification provided. Collection method: in vitro. Allele origin: not applicable. Functional consequence: retained intron. Not counted in ClinVar's aggregate classification.

Dr. Peter K. Rogan Lab, Western University
No classification provided (evidence only). Condition: Uterine carcinosarcoma. Review status: no classification provided. Collection method: in vitro. Allele origin: not applicable. Functional consequence: retained intron. Not counted in ClinVar's aggregate classification.

Dr. Peter K. Rogan Lab, Western University
No classification provided (evidence only). Condition: Uveal melanoma. Review status: no classification provided. Collection method: in vitro. Allele origin: not applicable. Functional consequence: retained intron. Not counted in ClinVar's aggregate classification.

Dr. Peter K. Rogan Lab, Western University
No classification provided (evidence only). Condition: Uveal melanoma. Review status: no classification provided. Collection method: in vitro. Allele origin: not applicable. Functional consequence: retained intron. Not counted in ClinVar's aggregate classification.

Dr. Peter K. Rogan Lab, Western University
No classification provided (evidence only). Condition: Uveal melanoma. Review status: no classification provided. Collection method: in vitro. Allele origin: not applicable. Functional consequence: retained intron. Not counted in ClinVar's aggregate classification.

Dr. Peter K. Rogan Lab, Western University
No classification provided (evidence only). Condition: Uveal melanoma. Review status: no classification provided. Collection method: in vitro. Allele origin: not applicable. Functional consequence: retained intron. Not counted in ClinVar's aggregate classification.

Dr. Peter K. Rogan Lab, Western University
No classification provided (evidence only). Condition: Uveal melanoma. Review status: no classification provided. Collection method: in vitro. Allele origin: not applicable. Functional consequence: retained intron. Not counted in ClinVar's aggregate classification.

Dr. Peter K. Rogan Lab, Western University
No classification provided (evidence only). Condition: Chronic lymphocytic leukemia/small lymphocytic lymphoma. Review status: no classification provided. Collection method: in vitro. Allele origin: not applicable. Functional consequence: retained intron. Not counted in ClinVar's aggregate classification.

Dr. Peter K. Rogan Lab, Western University
No classification provided (evidence only). Condition: Chronic lymphocytic leukemia/small lymphocytic lymphoma. Review status: no classification provided. Collection method: in vitro. Allele origin: not applicable. Functional consequence: retained intron. Not counted in ClinVar's aggregate classification.

Dr. Peter K. Rogan Lab, Western University
No classification provided (evidence only). Condition: Chronic lymphocytic leukemia/small lymphocytic lymphoma. Review status: no classification provided. Collection method: in vitro. Allele origin: not applicable. Functional consequence: retained intron. Not counted in ClinVar's aggregate classification.

Dr. Peter K. Rogan Lab, Western University
No classification provided (evidence only). Condition: Chronic lymphocytic leukemia/small lymphocytic lymphoma. Review status: no classification provided. Collection method: in vitro. Allele origin: not applicable. Functional consequence: retained intron. Not counted in ClinVar's aggregate classification.

Dr. Peter K. Rogan Lab, Western University
No classification provided (evidence only). Condition: Chronic lymphocytic leukemia/small lymphocytic lymphoma. Review status: no classification provided. Collection method: in vitro. Allele origin: not applicable. Functional consequence: retained intron. Not counted in ClinVar's aggregate classification.

Dr. Peter K. Rogan Lab, Western University
No classification provided (evidence only). Condition: Chronic lymphocytic leukemia/small lymphocytic lymphoma. Review status: no classification provided. Collection method: in vitro. Allele origin: not applicable. Functional consequence: retained intron. Not counted in ClinVar's aggregate classification.

Dr. Peter K. Rogan Lab, Western University
No classification provided (evidence only). Condition: Chronic lymphocytic leukemia/small lymphocytic lymphoma. Review status: no classification provided. Collection method: in vitro. Allele origin: not applicable. Functional consequence: retained intron. Not counted in ClinVar's aggregate classification.

NM_014140.4(SMARCAL1):c.2070T>C (p.Thr690=)

Gene: SMARCAL1 (SNF2 related chromatin remodeling annealing helicase 1; plus strand). Cytogenetic location: 2q35.
Variant type: single nucleotide variant.
Coding change: c.2070T>C on transcript NM_014140.4 (MANE Select); coding-DNA position 2070, T replaced by C.
Protein change: p.Thr690=; no amino-acid change (threonine 690 retained).
Molecular consequence: synonymous variant.
Genome position (GRCh38, 1-based): chr2:216,451,064, T>C. VCF-style: chr2-216451064-T-C. GRCh37 (hg19) VCF-style: chr2-217315787-T-C.
Other names: p.Thr690=; c.2070T>C, p.Thr690= (NM_001127207.2).
Identifiers: ClinVar variation 260341 (VCV000260341.30), dbSNP rs2066527, ClinGen allele CA2098079.